The following is an entry in ClinVar:

NM_001267550.2(TTN):c.29238C>T (p.Phe9746=)

Gene: TTN (titin; minus strand). Cytogenetic location: 2q31.2.
Variant type: single nucleotide variant.
Coding change: c.29238C>T on transcript NM_001267550.2 (MANE Select); coding-DNA position 29238, C replaced by T.
Protein change: p.Phe9746=; no amino-acid change (phenylalanine 9746 retained).
Molecular consequence: synonymous variant. On other transcripts: intron variant (3).
Genome position (GRCh38, 1-based): chr2:178,706,636, G>A on the plus strand (C>T on the coding strand, the complement: TTN is on the minus strand). VCF-style: chr2-178706636-G-A. GRCh37 (hg19) VCF-style: chr2-179571363-G-A.
Other names: c.28287C>T, p.Phe9429= (NM_001256850.1); c.13282+31446C>T (NM_003319.4); c.13858+31446C>T (NM_133437.4); c.13657+31446C>T (NM_133432.3); c.25506C>T, p.Phe8502= (NM_133378.4).
Identifiers: ClinVar variation 166128 (VCV000166128.18), dbSNP rs727503640, ClinGen allele CA178924.

ClinVar aggregate classification (germline): Likely benign. Review status: criteria provided, multiple submitters, no conflicts (2 of 4 stars). 4 submissions from 4 submitters: Likely benign (4). Last evaluated 2024-10-14.

Conditions:
Dilated cardiomyopathy 1G (CMD1G). Identifiers: Orphanet 154, MedGen C1858763, MONDO:0011400, OMIM 604145.
Autosomal recessive limb-girdle muscular dystrophy type 2J (LGMDR10). Also called: Limb-girdle muscular dystrophy, type 2J; MUSCULAR DYSTROPHY, LIMB-GIRDLE, AUTOSOMAL RECESSIVE 10. Identifiers: Orphanet 140922, MedGen C1837342, MONDO:0012127, OMIM 608807.

Allele frequency attached by ClinVar (database versions not stated): TOPMed below 0.00001; gnomAD exomes 0.00001.
gnomAD v4.1: 7 of 1,613,900 alleles (0.00043%); highest among the groups gnomAD compares: Non-Finnish European, 0.00059%; no homozygotes.

Submissions (4):

Labcorp Genetics (formerly Invitae), Labcorp
Classification: Likely benign for Dilated cardiomyopathy 1G; Autosomal recessive limb-girdle muscular dystrophy type 2J. Last evaluated: 2024-10-14. Review status: criteria provided, single submitter. Criteria: Invitae Variant Classification Sherloc (09022015). Collection method: clinical testing. Allele origin: germline.

Women's Health and Genetics/Laboratory Corporation of America, LabCorp
Classification: Likely benign. Last evaluated: 2024-09-29. Review status: criteria provided, single submitter. Criteria: LabCorp Variant Classification Summary - May 2015. Collection method: clinical testing. Allele origin: germline.

GeneDx
Classification: Likely benign. Last evaluated: 2019-12-17. Review status: criteria provided, single submitter. Criteria: GeneDx Variant Classification Process June 2021. Collection method: clinical testing. Allele origin: germline. Affected: yes.

Laboratory for Molecular Medicine, Mass General Brigham Personalized Medicine
Classification: Likely benign. Last evaluated: 2013-12-11. Review status: criteria provided, single submitter. Criteria: LMM Criteria. Collection method: clinical testing. Allele origin: germline. Observed: 1 variant allele.
Comment: Phe8502Phe in exon 99 of TTN: This variant is not expected to have clinical sign ificance because it does not alter an amino acid residue and is not located with in the splice consensus sequence. Phe8502Phe in exon 99 of TTN (allele frequenc y = n/a)